The following is an entry in ClinVar:

NM_004656.4(BAP1):c.248C>A (p.Ala83Asp)

Gene: BAP1 (BRCA1 associated deubiquitinase 1; minus strand). Cytogenetic location: 3p21.1.
Variant type: single nucleotide variant.
Coding change: c.248C>A on transcript NM_004656.4 (MANE Select); coding-DNA position 248, C replaced by A.
Protein change: p.Ala83Asp; replaces alanine 83 with aspartic acid.
Molecular consequence: missense variant.
Genome position (GRCh38, 1-based): chr3:52,408,481, G>T on the plus strand (C>A on the coding strand, the complement: BAP1 is on the minus strand). VCF-style: chr3-52408481-G-T. GRCh37 (hg19) VCF-style: chr3-52442497-G-T.
Other names: c.248C>A, p.Ala83Asp (NM_001410772.1); short protein forms A83D.
Identifiers: ClinVar variation 2565176 (VCV002565176.4), dbSNP rs2153228280, ClinGen allele CA353112888.
Genomic context (GRCh38, chr3:52,408,481, plus strand): 5'-GCAAAAACATGGCAGCATCCCACCCTCCAAACAAAGCACAGAGTCCAGCAGACCTGGTGG[G>T]CAAAGAACATGTTATTCACAATATCATCATCAATCACGGACGTATCATCCACCAAGGTAG-3'
Protein context (NP_004647.1, residues 73-93): DDDIVNNMFF[Ala83Asp]HQLIPNSCAT

ClinVar aggregate classification (germline): Uncertain significance. Review status: criteria provided, multiple submitters, no conflicts (2 of 4 stars). 2 submissions from 2 submitters: Uncertain significance (2). Last evaluated 2024-09-12.

Conditions:
Hereditary cancer-predisposing syndrome. Also called: Neoplastic Syndromes, Hereditary; Hereditary Cancer Syndrome; Hereditary neoplastic syndrome; Tumor predisposition. Identifiers: Orphanet 140162, MedGen C0027672, MeSH D009386, MONDO:0015356.
BAP1-related tumor predisposition syndrome (TPDS1). Also called: COMMON Syndrome; TUMOR PREDISPOSITION SYNDROME 1; BAP1 tumor predisposition syndrome; Tumor susceptibility linked to germline BAP1 mutations. Identifiers: Orphanet 289539, MedGen C3280492, MONDO:0013692, OMIM 614327.

Submissions (2):

Labcorp Genetics (formerly Invitae), Labcorp
Classification: Uncertain significance for BAP1-related tumor predisposition syndrome. Last evaluated: 2024-09-12. Review status: criteria provided, single submitter. Criteria: Invitae Variant Classification Sherloc (09022015). Collection method: clinical testing. Allele origin: germline.
Comment: This sequence change replaces alanine, which is neutral and non-polar, with aspartic acid, which is acidic and polar, at codon 83 of the BAP1 protein (p.Ala83Asp). This variant is not present in population databases (gnomAD no frequency). This variant has not been reported in the literature in individuals affected with BAP1-related conditions. ClinVar contains an entry for this variant (Variation ID: 2565176). Invitae Evidence Modeling of protein sequence and biophysical properties (such as structural, functional, and spatial information, amino acid conservation, physicochemical variation, residue mobility, and thermodynamic stability) indicates that this missense variant is expected to disrupt BAP1 protein function with a positive predictive value of 80%. In summary, the available evidence is currently insufficient to determine the role of this variant in disease. Therefore, it has been classified as a Variant of Uncertain Significance.

Ambry Genetics
Classification: Uncertain significance for Hereditary cancer-predisposing syndrome. Last evaluated: 2023-05-08. Review status: criteria provided, single submitter. Criteria: Ambry Variant Classification Scheme 2023. Collection method: clinical testing. Allele origin: germline.
Comment: The p.A83D variant (also known as c.248C>A), located in coding exon 4 of the BAP1 gene, results from a C to A substitution at nucleotide position 248. The alanine at codon 83 is replaced by aspartic acid, an amino acid with dissimilar properties. This amino acid position is conserved. In addition, this alteration is predicted to be deleterious by in silico analysis. Since supporting evidence is limited at this time, the clinical significance of this alteration remains unclear.